The following is an entry in ClinVar:

NM_020937.4(FANCM):c.2578_2580del (p.Glu860del)

Gene: FANCM (FA complementation group M; plus strand). Cytogenetic location: 14q21.2.
Variant type: Deletion.
Coding change: c.2578_2580del on transcript NM_020937.4 (MANE Select); coding-DNA positions 2578 to 2580, 3 bases deleted (GAA; older notation c.2578_2580delGAA).
Protein change: p.Glu860del; deletes glutamic acid 860.
Molecular consequence: inframe deletion.
Genome position (GRCh38, 1-based): chr14:45,175,332-45,175,334, GAA deleted; deleting any 3 consecutive bases within chr14:45,175,330-45,175,334 gives the same sequence; the c. name uses the placement nearest the transcript's 3' end. VCF-style (leftmost placement, unchanged base first): chr14-45175329-AAAG-A. GRCh37 (hg19) VCF-style: chr14-45644532-AAAG-A.
Other names: c.2500_2502del, p.Glu834del (NM_001308133.2); short protein forms E834del, E860del.
Identifiers: ClinVar variation 854125 (VCV000854125.9), dbSNP rs1888597959, ClinGen allele CA916081711.

ClinVar aggregate classification (germline): Uncertain significance (1 of 4 stars; one submission).

Conditions:
Fanconi anemia (FA). Also called: Fanconi's anemia. Identifiers: Orphanet 84, MedGen C0015625, MeSH D005199, MONDO:0019391.

Submission:

Labcorp Genetics (formerly Invitae), Labcorp
Classification: Uncertain significance for Fanconi anemia. Last evaluated: 2019-12-11. Review status: criteria provided, single submitter. Criteria: Invitae Variant Classification Sherloc (09022015). Collection method: clinical testing. Allele origin: germline.
Comment: This variant, c.2578_2580del, results in the deletion of 1 amino acid(s) of the FANCM protein (p.Glu860del), but otherwise preserves the integrity of the reading frame. This variant is not present in population databases (ExAC no frequency). This variant has not been reported in the literature in individuals with FANCM-related conditions. Experimental studies and prediction algorithms are not available or were not evaluated, and the functional significance of this variant is currently unknown. In summary, the available evidence is currently insufficient to determine the role of this variant in disease. Therefore, it has been classified as a Variant of Uncertain Significance.